The following is an entry in ClinVar:

NM_000081.4(LYST):c.236_237del (p.Leu79fs)

Gene: LYST (lysosomal trafficking regulator; minus strand). Cytogenetic location: 1q42.3.
Variant type: Microsatellite.
Coding change: c.236_237del on transcript NM_000081.4 (MANE Select); coding-DNA positions 236 to 237, 2 bases deleted (TC; older notation c.236_237delTC).
Protein change: p.Leu79fs; shifts the reading frame from leucine 79.
Molecular consequence: frameshift variant.
Genome position (GRCh38, 1-based): chr1:235,813,017-235,813,018, GA deleted on the plus strand (TC on the coding strand, the reverse complement: LYST is on the minus strand); deleting any 2 consecutive bases within chr1:235,813,017-235,813,022 gives the same sequence; the c. name uses the placement nearest the transcript's 3' end. VCF-style (leftmost placement, unchanged base first): chr1-235813016-GGA-G. GRCh37 (hg19) VCF-style: chr1-235976316-GGA-G.
Other names: c.236_237del, p.Leu79fs (NM_001301365.1); short protein forms L79fs.
Identifiers: ClinVar variation 1361717 (VCV001361717.5), dbSNP rs2527154062, ClinGen allele CA2580611244.

ClinVar aggregate classification (germline): Pathogenic (1 of 4 stars; one submission).

Conditions:
Chédiak-Higashi syndrome (CHS). Also called: Chediak-Higashi Syndrome. Identifiers: Orphanet 167, MedGen C0007965, MONDO:0008963, OMIM 214500.

Submission:

Labcorp Genetics (formerly Invitae), Labcorp
Classification: Pathogenic for Chédiak-Higashi syndrome. Last evaluated: 2023-08-17. Review status: criteria provided, single submitter. Criteria: Invitae Variant Classification Sherloc (09022015). Collection method: clinical testing. Allele origin: germline.
Comment: For these reasons, this variant has been classified as Pathogenic. This variant has not been reported in the literature in individuals affected with LYST-related conditions. This variant is not present in population databases (gnomAD no frequency). This sequence change creates a premature translational stop signal (p.Leu79Profs*18) in the LYST gene. It is expected to result in an absent or disrupted protein product. Loss-of-function variants in LYST are known to be pathogenic (PMID: 9215679, 11857544).

Literature cited by the submitters: PubMed 9215679; PubMed 11857544.